The following is an entry in ClinVar:

NM_001372044.2(SHANK3):c.4727T>C (p.Leu1576Pro)

Gene: SHANK3 (SH3 and multiple ankyrin repeat domains 3; plus strand). Cytogenetic location: 22q13.33.
Variant type: single nucleotide variant.
Coding change: c.4727T>C on transcript NM_001372044.2 (MANE Select); coding-DNA position 4727, T replaced by C.
Protein change: p.Leu1576Pro; replaces leucine 1576 with proline.
Molecular consequence: missense variant.
Genome position (GRCh38, 1-based): chr22:50,722,335, T>C. VCF-style: chr22-50722335-T-C. GRCh37 (hg19) VCF-style: chr22-51160763-T-C.
Other names: c.4502T>C (NM_033517.1); short protein forms L1576P.
Identifiers: ClinVar variation 3767436 (VCV003767436.1).

ClinVar aggregate classification (germline): Uncertain significance (1 of 4 stars; one submission).

Submission:

GeneDx
Classification: Uncertain significance. Last evaluated: 2024-09-05. Review status: criteria provided, single submitter. Criteria: GeneDx Variant Classification Process June 2021. Collection method: clinical testing. Allele origin: germline. Affected: yes.
Comment: Not observed at significant frequency in large population cohorts (gnomAD); In silico analysis supports that this missense variant has a deleterious effect on protein structure/function; Has not been previously published as pathogenic or benign to our knowledge